The following is an entry in ClinVar:

NM_017780.4(CHD7):c.4291A>G (p.Lys1431Glu)

Gene: CHD7 (chromodomain helicase DNA binding protein 7; plus strand). Cytogenetic location: 8q12.2.
Variant type: single nucleotide variant.
Coding change: c.4291A>G on transcript NM_017780.4 (MANE Select); coding-DNA position 4291, A replaced by G.
Protein change: p.Lys1431Glu; replaces lysine 1431 with glutamic acid.
Molecular consequence: missense variant. On other transcripts: intron variant (1).
Genome position (GRCh38, 1-based): chr8:60,837,773, A>G. VCF-style: chr8-60837773-A-G. GRCh37 (hg19) VCF-style: chr8-61750332-A-G.
Other names: c.1717-24456A>G (NM_001316690.1); c.4291A>G (LRG_176t1); short protein forms K1431E.
Identifiers: ClinVar variation 452069 (VCV000452069.2), dbSNP rs1554600817, ClinGen allele CA371317888.
Genomic context (GRCh38, chr8:60,837,773, plus strand): 5'-ATCTACAGGCTGATTACAAGAAATTCCTATGAAAGGGAAATGTTCGACAAGGCTAGTTTG[A>G]AACTGGGCCTGGATAAAGCTGTGCTACAGTCTATGAGTGGAAGAGAAAATGCTACCAATG-3'
Protein context (NP_060250.2, residues 1421-1441): EREMFDKASL[Lys1431Glu]LGLDKAVLQS

ClinVar aggregate classification (germline): Uncertain significance (1 of 4 stars; one submission).

Submission:

GeneDx
Classification: Uncertain significance. Last evaluated: 2017-09-12. Review status: criteria provided, single submitter. Criteria: GeneDx Variant Classification (06012015). Collection method: clinical testing. Allele origin: germline. Affected: yes.
Comment: The K1431E variant has not been published as a pathogenic variant, nor has it been reported as a benign variant to our knowledge. The K1431E variant is not observed in large population cohorts (Lek et al., 2016; 1000 Genomes Consortium et al., 2015; Exome Variant Server). The K1431E variant is a non-conservative amino acid substitution, which is likely to impact secondary protein structure as these residues differ in polarity, charge, size and/or other properties. This substitution occurs at a position that is conserved across species. In silico analysis predicts this variant is probably damaging to the protein structure/function. Additionally, few pathogenic missense variants have been reported in CHARGE syndrome, as most pathogenic variants introduce a premature termination codon. In summary, based on the currently available information, it is unclear whether this variant is a pathogenic variant or a rare benign variant.